The following is an entry in ClinVar:

ClinVar aggregate classification (germline): Uncertain significance (1 of 4 stars; one submission).

Conditions:
Combined immunodeficiency due to DOCK8 deficiency (HIES2). Also called: HIES autosomal recessive; Hyper-IgE recurrent infection syndrome, autosomal recessive; DOCK8 Deficiency; HYPER-IgE SYNDROME 2, AUTOSOMAL RECESSIVE, WITH RECURRENT INFECTIONS; HYPER-IgE RECURRENT INFECTION SYNDROME 2, AUTOSOMAL RECESSIVE. Identifiers: Orphanet 217390, MedGen C4722305, MONDO:0009478, OMIM 243700.

Allele frequency attached by ClinVar (database versions not stated): TOPMed below 0.00001; gnomAD exomes 0.00001.
gnomAD v4.1: 6 of 1,614,192 alleles (0.00037%); highest among the groups gnomAD compares: Non-Finnish European, 0.00051%; no homozygotes.

Submission:

Labcorp Genetics (formerly Invitae), Labcorp
Classification: Uncertain significance for Combined immunodeficiency due to DOCK8 deficiency. Last evaluated: 2021-08-20. Review status: criteria provided, single submitter. Criteria: Invitae Variant Classification Sherloc (09022015). Collection method: clinical testing. Allele origin: germline.
Comment: This sequence change replaces alanine with aspartic acid at codon 324 of the DOCK8 protein (p.Ala324Asp). The alanine residue is weakly conserved and there is a moderate physicochemical difference between alanine and aspartic acid. This variant is not present in population databases (ExAC no frequency). This variant has not been reported in the literature in individuals affected with DOCK8-related conditions. Algorithms developed to predict the effect of missense changes on protein structure and function output the following: SIFT: "Tolerated"; PolyPhen-2: "Benign"; Align-GVGD: "Class C0". The aspartic acid amino acid residue is found in multiple mammalian species, which suggests that this missense change does not adversely affect protein function. In summary, the available evidence is currently insufficient to determine the role of this variant in disease. Therefore, it has been classified as a Variant of Uncertain Significance.

NM_203447.4(DOCK8):c.971C>A (p.Ala324Asp)

Gene: DOCK8 (dedicator of cytokinesis 8; plus strand). Cytogenetic location: 9p24.3.
Variant type: single nucleotide variant.
Coding change: c.971C>A on transcript NM_203447.4 (MANE Select); coding-DNA position 971, C replaced by A.
Protein change: p.Ala324Asp; replaces alanine 324 with aspartic acid.
Molecular consequence: missense variant.
Genome position (GRCh38, 1-based): chr9:328,098, C>A. VCF-style: chr9-328098-C-A. GRCh37 (hg19) VCF-style: chr9-328098-C-A.
Other names: c.767C>A, p.Ala256Asp (NM_001190458.2, NM_001193536.2); short protein forms A324D, A256D.
Identifiers: ClinVar variation 655375 (VCV000655375.6), dbSNP rs752571540, ClinGen allele CA187750996.